The following is an entry in ClinVar:

ClinVar aggregate classification (germline): Uncertain significance. Review status: criteria provided, multiple submitters, no conflicts (2 of 4 stars). 2 submissions from 2 submitters: Uncertain significance (2). Last evaluated 2021-11-09.

Conditions:
Familial sleep-related hypermotor epilepsy. Also called: Autosomal Dominant Sleep-Related Hypermotor (Hyperkinetic) Epilepsy. Identifiers: Orphanet 98784, MedGen C3696898, MONDO:0000030.

Allele frequency attached by ClinVar (database versions not stated): TOPMed below 0.00001; ExAC 0.00001; gnomAD exomes 0.00001; ESP Exome Variant Server 0.00008.
gnomAD v4.1: 12 of 1,614,110 alleles (0.00074%); highest among the groups gnomAD compares: Non-Finnish European, 0.001%; no homozygotes.

Submissions (2):

Labcorp Genetics (formerly Invitae), Labcorp
Classification: Uncertain significance for Familial sleep-related hypermotor epilepsy. Last evaluated: 2021-11-09. Review status: criteria provided, single submitter. Criteria: Invitae Variant Classification Sherloc (09022015). Collection method: clinical testing. Allele origin: germline.
Comment: This variant is present in population databases (rs376511394, gnomAD 0.0009%). This sequence change replaces proline, which is neutral and non-polar, with alanine, which is neutral and non-polar, at codon 84 of the PRIMA1 protein (p.Pro84Ala). This variant has not been reported in the literature in individuals affected with PRIMA1-related conditions. Algorithms developed to predict the effect of missense changes on protein structure and function are either unavailable or do not agree on the potential impact of this missense change (SIFT: "Tolerated"; PolyPhen-2: "Probably Damaging"; Align-GVGD: "Class C0"). In summary, the available evidence is currently insufficient to determine the role of this variant in disease. Therefore, it has been classified as a Variant of Uncertain Significance.

Blueprint Genetics
Classification: Uncertain significance. Last evaluated: 2018-05-21. Review status: criteria provided, single submitter. Criteria: ACMG Guidelines, 2015. Collection method: clinical testing. Allele origin: germline.

NM_178013.4(PRIMA1):c.250C>G (p.Pro84Ala)

Gene: PRIMA1 (proline rich membrane anchor 1; minus strand). Cytogenetic location: 14q32.12.
Variant type: single nucleotide variant.
Coding change: c.250C>G on transcript NM_178013.4 (MANE Select); coding-DNA position 250, C replaced by G.
Protein change: p.Pro84Ala; replaces proline 84 with alanine.
Molecular consequence: missense variant.
Genome position (GRCh38, 1-based): chr14:93,737,350, G>C on the plus strand (C>G on the coding strand, the complement: PRIMA1 is on the minus strand). VCF-style: chr14-93737350-G-C. GRCh37 (hg19) VCF-style: chr14-94203696-G-C.
Other names: short protein forms P84A.
Identifiers: ClinVar variation 1392225 (VCV001392225.7), dbSNP rs376511394, ClinGen allele CA7323053.